The following is an entry in ClinVar:

NM_006073.4(TRDN):c.1105G>T (p.Ala369Ser)

Gene: TRDN (triadin; minus strand). Cytogenetic location: 6q22.31.
Variant type: single nucleotide variant.
Coding change: c.1105G>T on transcript NM_006073.4 (MANE Select); coding-DNA position 1105, G replaced by T.
Protein change: p.Ala369Ser; replaces alanine 369 with serine.
Molecular consequence: missense variant.
Genome position (GRCh38, 1-based): chr6:123,393,624, C>A on the plus strand (G>T on the coding strand, the complement: TRDN is on the minus strand). VCF-style: chr6-123393624-C-A. GRCh37 (hg19) VCF-style: chr6-123714769-C-A.
Other names: c.1108G>T, p.Ala370Ser (NM_001251987.2); short protein forms A370S, A369S.
Identifiers: ClinVar variation 1381720 (VCV001381720.7), dbSNP rs369198088, ClinGen allele CA365567105.

ClinVar aggregate classification (germline): Uncertain significance (1 of 4 stars; one submission).

Conditions:
Catecholaminergic polymorphic ventricular tachycardia 1. Also called: RYR2-Related Catecholaminergic Polymorphic Ventricular Tachycardia; VENTRICULAR TACHYCARDIA, CATECHOLAMINERGIC POLYMORPHIC, 1, WITH OR WITHOUT ATRIAL DYSFUNCTION AND/OR DILATED CARDIOMYOPATHY; VENTRICULAR TACHYCARDIA, STRESS-INDUCED POLYMORPHIC 1. Identifiers: Orphanet 3286, MedGen C1631597, MONDO:0011484, OMIM 604772.

gnomAD v4.1: 1 of 1,602,296 alleles (0.000062%); highest among the groups gnomAD compares: Non-Finnish European, 0.000085%; no homozygotes.

Submission:

Labcorp Genetics (formerly Invitae), Labcorp
Classification: Uncertain significance for Catecholaminergic polymorphic ventricular tachycardia 1. Last evaluated: 2021-09-17. Review status: criteria provided, single submitter. Criteria: Invitae Variant Classification Sherloc (09022015). Collection method: clinical testing. Allele origin: germline.
Comment: This sequence change replaces alanine with serine at codon 369 of the TRDN protein (p.Ala369Ser). The alanine residue is moderately conserved and there is a moderate physicochemical difference between alanine and serine. This variant also falls at the last nucleotide of exon 13, which is part of the consensus splice site for this exon. In summary, the available evidence is currently insufficient to determine the role of this variant in disease. Therefore, it has been classified as a Variant of Uncertain Significance. Variants that disrupt the consensus splice site are a relatively common cause of aberrant splicing (PMID: 17576681, 9536098). Algorithms developed to predict the effect of sequence changes on RNA splicing suggest that this variant may disrupt the consensus splice site. Algorithms developed to predict the effect of missense changes on protein structure and function are either unavailable or do not agree on the potential impact of this missense change (SIFT: "Deleterious"; PolyPhen-2: "Possibly Damaging"; Align-GVGD: "Class C0"). This variant has not been reported in the literature in individuals affected with TRDN-related conditions. This variant is not present in population databases (ExAC no frequency).

Literature cited by the submitters: PubMed 17576681; PubMed 9536098.